The following is an entry in ClinVar:

ClinVar aggregate classification (germline): Likely benign. Review status: criteria provided, multiple submitters, no conflicts (2 of 4 stars). 3 submissions from 3 submitters: Likely benign (2). 1 of the submissions does not count toward it. Last evaluated 2025-10-01.

Conditions:
ZFHX3-related disorder. Also called: ZFHX3-related condition.

Allele frequency attached by ClinVar (database versions not stated): 1000 Genomes Project 30x 0.00016; 1000 Genomes Project 0.00020; ESP Exome Variant Server 0.00054.
gnomAD v4.1: 977 of 1,613,886 alleles (0.061%); highest among the groups gnomAD compares: Middle Eastern, 0.33%; 5 homozygotes.

Submissions (3):

CeGaT Center for Human Genetics Tuebingen
Classification: Likely benign. Last evaluated: 2025-10-01. Review status: criteria provided, single submitter. Criteria: CeGaT Center For Human Genetics Tuebingen Variant Classification Criteria Version 2. Collection method: clinical testing. Allele origin: germline. Affected: yes. Observed: 4 variant alleles.
Comment: ZFHX3: BP4, BP7

Blueprint Genetics
Classification: Likely benign. Last evaluated: 2024-11-20. Review status: criteria provided, single submitter. Criteria: ACMG Guidelines, 2015. Collection method: clinical testing. Allele origin: germline.

PreventionGenetics, part of Exact Sciences
Classification: Likely benign for ZFHX3-related condition. Last evaluated: 2019-05-31. Review status: no assertion criteria provided. Collection method: clinical testing. Allele origin: germline. Not counted in ClinVar's aggregate classification.
Comment: This variant is classified as likely benign based on ACMG/AMP sequence variant interpretation guidelines (Richards et al. 2015 PMID: 25741868, with internal and published modifications).

NM_006885.4(ZFHX3):c.3624G>T (p.Ser1208=)

Genes: ZFHX3 (zinc finger homeobox 3; minus strand), ZFHX3-AS1 (ZFHX3 antisense RNA 1; plus strand). Cytogenetic location: 16q22.3.
Variant type: single nucleotide variant.
Coding change: c.3624G>T on transcript NM_006885.4 (MANE Select); coding-DNA position 3624, G replaced by T.
Protein change: p.Ser1208=; no amino-acid change (serine 1208 retained).
Molecular consequence: synonymous variant.
Genome position (GRCh38, 1-based): chr16:72,811,944, C>A on the plus strand (G>T on the coding strand, the complement: ZFHX3 is on the minus strand). VCF-style: chr16-72811944-C-A. GRCh37 (hg19) VCF-style: chr16-72845843-C-A.
Other names: c.3624G>T, p.Ser1208= (NM_001386735.1); c.882G>T, p.Ser294= (NM_001164766.2); c.3624G>T (NM_006885.3).
Identifiers: ClinVar variation 2646832 (VCV002646832.26), dbSNP rs140481719, ClinGen allele CA8164044.